The following is an entry in ClinVar:

ClinVar aggregate classification (germline): Uncertain significance. Review status: criteria provided, multiple submitters, no conflicts (2 of 4 stars). 2 submissions from 2 submitters: Uncertain significance (2). Last evaluated 2025-08-22.

Allele frequency attached by ClinVar (database versions not stated): gnomAD 0.00001; TOPMed 0.00001; gnomAD exomes 0.00002.

Submissions (2):

Ambry Genetics
Classification: Uncertain significance. Last evaluated: 2025-08-22. Review status: criteria provided, single submitter. Criteria: Ambry Variant Classification Scheme 2023. Collection method: clinical testing. Allele origin: germline.

Labcorp Genetics (formerly Invitae), Labcorp
Classification: Uncertain significance. Last evaluated: 2023-05-14. Review status: criteria provided, single submitter. Criteria: Invitae Variant Classification Sherloc (09022015). Collection method: clinical testing. Allele origin: germline.
Comment: This variant is present in population databases (no rsID available, gnomAD 0.007%), including at least one homozygous and/or hemizygous individual. In summary, the available evidence is currently insufficient to determine the role of this variant in disease. Therefore, it has been classified as a Variant of Uncertain Significance. An algorithm developed to predict the effect of missense changes on protein structure and function (PolyPhen-2) suggests that this variant is likely to be disruptive. This variant has not been reported in the literature in individuals affected with P2RX2-related conditions. This sequence change replaces isoleucine, which is neutral and non-polar, with threonine, which is neutral and polar, at codon 111 of the P2RX2 protein (p.Ile111Thr).

NM_170682.4(P2RX2):c.332T>C (p.Ile111Thr)

Gene: P2RX2 (purinergic receptor P2X 2; plus strand). Cytogenetic location: 12q24.33.
Variant type: single nucleotide variant.
Coding change: c.332T>C on transcript NM_170682.4 (MANE Select); coding-DNA position 332, T replaced by C.
Protein change: p.Ile111Thr; replaces isoleucine 111 with threonine.
Molecular consequence: missense variant. On other transcripts: intron variant (4).
Genome position (GRCh38, 1-based): chr12:132,619,701, T>C. VCF-style: chr12-132619701-T-C. GRCh37 (hg19) VCF-style: chr12-133196287-T-C.
Other names: c.332T>C, p.Ile111Thr (NM_001282165.2, NM_170683.4, NM_174873.3); c.309+127T>C (NM_016318.4, NM_001282164.2); c.241+127T>C (NM_012226.5); c.106-143T>C (NM_174872.3); c.332T>C (NM_170683.2); short protein forms I111T.
Identifiers: ClinVar variation 2757984 (VCV002757984.4), dbSNP rs1217541785, ClinGen allele CA387358303.
Genomic context (GRCh38, chr12:132,619,701, plus strand): 5'-CTGCCGCCTGGCCGACCGCCCCCTCTTTCTGAGCCCAGGGGGGCAGCGTGTTCAGCATCA[T>C]CACCAGGGTCGAGGCCACCCACTCCCAGACCCAGGGAACCTGCCCCGAGGTGAGGGGATC-3'
Protein context (NP_733782.1, residues 101-121): PPEGGSVFSI[Ile111Thr]TRVEATHSQT